The following is an entry in ClinVar:

NM_133433.4(NIPBL):c.4359G>C (p.Leu1453Phe)

Gene: NIPBL (NIPBL cohesin loading factor; plus strand). Cytogenetic location: 5p13.2.
Variant type: single nucleotide variant.
Coding change: c.4359G>C on transcript NM_133433.4 (MANE Select); coding-DNA position 4359, G replaced by C.
Protein change: p.Leu1453Phe; replaces leucine 1453 with phenylalanine.
Molecular consequence: missense variant.
Genome position (GRCh38, 1-based): chr5:37,008,661, G>C. VCF-style: chr5-37008661-G-C. GRCh37 (hg19) VCF-style: chr5-37008763-G-C.
Other names: c.4359G>C, p.Leu1453Phe (NM_015384.5); short protein forms L1453F.
Identifiers: ClinVar variation 1707019 (VCV001707019.2), dbSNP rs2478173813, ClinGen allele CA359526900.

ClinVar aggregate classification (germline): Uncertain significance (1 of 4 stars; one submission).

Allele frequency attached by ClinVar (database versions not stated): gnomAD exomes below 0.00001.
gnomAD v4.1: 1 of 1,599,024 alleles (0.000063%); highest among the groups gnomAD compares: Non-Finnish European, 0.000086%; no homozygotes.

Submission:

GeneDx
Classification: Uncertain significance. Last evaluated: 2022-03-26. Review status: criteria provided, single submitter. Criteria: GeneDx Variant Classification Process June 2021. Collection method: clinical testing. Allele origin: germline. Affected: yes.
Comment: Not observed at significant frequency in large population cohorts (gnomAD); In silico analysis supports that this missense variant has a deleterious effect on protein structure/function; Has not been previously published as pathogenic or benign to our knowledge